The following is an entry in ClinVar:

ClinVar aggregate classification (germline): Uncertain significance (1 of 4 stars; one submission).

Submission:

GeneDx
Classification: Uncertain significance. Last evaluated: 2024-11-25. Review status: criteria provided, single submitter. Criteria: GeneDx Variant Classification Process June 2021. Collection method: clinical testing. Allele origin: germline. Affected: yes.
Comment: Not observed at significant frequency in large population cohorts (gnomAD); In silico analysis supports that this missense variant has a deleterious effect on protein structure/function; Has not been previously published as pathogenic or benign to our knowledge

NM_001384140.1(PCDH15):c.1198T>A (p.Tyr400Asn)

Gene: PCDH15 (protocadherin related 15; minus strand). Cytogenetic location: 10q21.1.
Variant type: single nucleotide variant.
Coding change: c.1198T>A on transcript NM_001384140.1 (MANE Select); coding-DNA position 1198, T replaced by A.
Protein change: p.Tyr400Asn; replaces tyrosine 400 with asparagine.
Molecular consequence: missense variant.
Genome position (GRCh38, 1-based): chr10:54,195,790, A>T on the plus strand (T>A on the coding strand, the complement: PCDH15 is on the minus strand). VCF-style: chr10-54195790-A-T. GRCh37 (hg19) VCF-style: chr10-55955550-A-T.
Other names: c.1213T>A, p.Tyr405Asn (NM_001142763.2, NM_001142769.4, NM_001142771.2); c.1198T>A, p.Tyr400Asn (NM_001142764.2, NM_001142765.2, NM_001142766.2 and 7 more transcripts); c.1087T>A, p.Tyr363Asn (NM_001142767.2); c.1132T>A, p.Tyr378Asn (NM_001142768.2, NM_001142773.2, NM_001354404.2); short protein forms Y363N, Y378N, Y400N, Y405N.
Identifiers: ClinVar variation 3900159 (VCV003900159.1).